The following is an entry in ClinVar:

NM_020207.7(ERCC6L2):c.21G>C (p.Gln7His)

Gene: ERCC6L2 (ERCC excision repair 6 like 2; plus strand). Cytogenetic location: 9q22.32.
Variant type: single nucleotide variant.
Coding change: c.21G>C on transcript NM_020207.7 (MANE Select); coding-DNA position 21, G replaced by C.
Protein change: p.Gln7His; replaces glutamine 7 with histidine.
Molecular consequence: missense variant. On other transcripts: non-coding transcript variant (1).
Genome position (GRCh38, 1-based): chr9:95,876,059, G>C. VCF-style: chr9-95876059-G-C. GRCh37 (hg19) VCF-style: chr9-98638341-G-C.
Other names: c.21G>C, p.Gln7His (NM_001010895.4, NM_001375291.1, NM_001375292.1 and 2 more transcripts); short protein forms Q7H.
Identifiers: ClinVar variation 235252 (VCV000235252.19), dbSNP rs139286981, ClinGen allele CA5139209.
Genomic context (GRCh38, chr9:95,876,059, plus strand): 5'-GTGTTACATGCAGCCGGGCTCGGCCCCTCCCCCTGGCCGGATGGATCCGTCGGCGCCACA[G>C]CCCCGCGCGGAAACCTCAGGCAAAGGTACCAGCTCCGCGCTCGCCCCTTACGCAGAGGCC-3'
Protein context (NP_064592.3, residues 1-17): MDPSAP[Gln7His]PRAETSGKDI

ClinVar aggregate classification (germline): Benign/Likely benign. Review status: criteria provided, multiple submitters, no conflicts (2 of 4 stars). 6 submissions from 6 submitters: Benign (1); Likely benign (4). 1 of the submissions does not count toward it. Last evaluated 2026-02-02.

Conditions:
ERCC6L2-related disorder. Also called: ERCC6L2-related condition.
Pancytopenia-developmental delay syndrome. Also called: Bone marrow failure syndrome 2. Identifiers: Orphanet 401764, MedGen C3810350, MONDO:0014317, OMIM 615715.

Allele frequency attached by ClinVar (database versions not stated): ESP Exome Variant Server 0.00397; gnomAD 0.00429 and 0.00453; TOPMed 0.00499; 1000 Genomes Project 30x 0.00547; 1000 Genomes Project 0.00559.
gnomAD v4.1: 1,430 of 1,585,044 alleles (0.09%); highest among the groups gnomAD compares: African/African-American, 1.6%; 11 homozygotes.

Submissions (6):

Labcorp Genetics (formerly Invitae), Labcorp
Classification: Benign. Last evaluated: 2026-02-02. Review status: criteria provided, single submitter. Criteria: Invitae Variant Classification Sherloc (09022015). Collection method: clinical testing. Allele origin: germline.

Blueprint Genetics
Classification: Likely benign. Last evaluated: 2024-11-25. Review status: criteria provided, single submitter. Criteria: ACMG Guidelines, 2015. Collection method: clinical testing. Allele origin: germline.

ARUP Laboratories, Molecular Genetics and Genomics, ARUP Laboratories
Classification: Likely benign for Pancytopenia-developmental delay syndrome. Last evaluated: 2024-01-05. Review status: criteria provided, single submitter. Criteria: ARUP Molecular Germline Variant Investigation Process 2024. Collection method: clinical testing. Allele origin: germline.

Center for Pediatric Genomic Medicine, Children's Mercy Hospital and Clinics
Classification: Likely benign. Last evaluated: 2015-08-25. Review status: criteria provided, single submitter. Criteria: ACMG Guidelines, 2015. Collection method: clinical testing. Allele origin: germline.
ClinVar note: Converted during submission from Likely Benign to Likely benign.

Breakthrough Genomics
Classification: Likely benign. Review status: criteria provided, single submitter. Criteria: ACMG Guidelines, 2015. Collection method: not provided. Allele origin: germline. Inheritance: Autosomal recessive inheritance. Affected: yes.

PreventionGenetics, part of Exact Sciences
Classification: Likely benign for ERCC6L2-related condition. Last evaluated: 2019-03-04. Review status: no assertion criteria provided. Collection method: clinical testing. Allele origin: germline. Not counted in ClinVar's aggregate classification.
Comment: This variant is classified as likely benign based on ACMG/AMP sequence variant interpretation guidelines (Richards et al. 2015 PMID: 25741868, with internal and published modifications).